The following is an entry in ClinVar:

NM_021224.6(ZNF462):c.729T>C (p.Phe243=)

Gene: ZNF462 (zinc finger protein 462; plus strand). Cytogenetic location: 9q31.2.
Variant type: single nucleotide variant.
Coding change: c.729T>C on transcript NM_021224.6 (MANE Select); coding-DNA position 729, T replaced by C.
Protein change: p.Phe243=; no amino-acid change (phenylalanine 243 retained).
Molecular consequence: synonymous variant.
Genome position (GRCh38, 1-based): chr9:106,924,641, T>C. VCF-style: chr9-106924641-T-C. GRCh37 (hg19) VCF-style: chr9-109686922-T-C.
Other names: c.729T>C, p.Phe243= (NM_001347997.2).
Identifiers: ClinVar variation 3047031 (VCV003047031.2), dbSNP rs2538720975, ClinGen allele CA466412267.

ClinVar aggregate classification (germline): Likely benign (0 of 4 stars; one submission).

Conditions:
ZNF462-related disorder. Also called: ZNF462 related disease; ZNF462-related condition.

Allele frequency attached by ClinVar (database versions not stated): gnomAD exomes 0.00001.
gnomAD v4.1: 3 of 1,614,012 alleles (0.00019%); highest among the groups gnomAD compares: Middle Eastern, 0.049%; no homozygotes.

Submission:

PreventionGenetics, part of Exact Sciences
Classification: Likely benign for ZNF462-related condition. Last evaluated: 2019-03-25. Review status: no assertion criteria provided. Collection method: clinical testing. Allele origin: germline.
Comment: This variant is classified as likely benign based on ACMG/AMP sequence variant interpretation guidelines (Richards et al. 2015 PMID: 25741868, with internal and published modifications).